The following is an entry in ClinVar:

ClinVar aggregate classification (germline): Pathogenic/Likely pathogenic. Review status: criteria provided, multiple submitters, no conflicts (2 of 4 stars). 3 submissions from 3 submitters: Pathogenic (2); Likely pathogenic (1). Last evaluated 2025-12-21.

Conditions:
PHEX-related disorder. Also called: PHEX-related condition.

Submissions (3):

Labcorp Genetics (formerly Invitae), Labcorp
Classification: Pathogenic. Last evaluated: 2025-12-21. Review status: criteria provided, single submitter. Criteria: Invitae Variant Classification Sherloc (09022015). Collection method: clinical testing. Allele origin: germline.
Comment: This sequence change replaces glycine, which is neutral and non-polar, with aspartic acid, which is acidic and polar, at codon 572 of the PHEX protein (p.Gly572Asp). This variant is not present in population databases (gnomAD no frequency). This missense change has been observed in individual(s) with hypophosphatemic rickets (PMID: 11502829, 16055933; internal data). In at least one individual the variant was observed to be de novo. ClinVar contains an entry for this variant (Variation ID: 372460). Invitae Evidence Modeling of protein sequence and biophysical properties (such as structural, functional, and spatial information, amino acid conservation, physicochemical variation, residue mobility, and thermodynamic stability) indicates that this missense variant is expected to disrupt PHEX protein function with a positive predictive value of 95%. For these reasons, this variant has been classified as Pathogenic.

Blueprint Genetics
Classification: Pathogenic for PHEX-related disorders. Last evaluated: 2022-05-04. Review status: criteria provided, single submitter. Criteria: ACMG Guidelines, 2015. Collection method: clinical testing. Allele origin: germline. Affected: yes. Observed: 2 variant alleles.

GeneDx
Classification: Likely pathogenic. Last evaluated: 2016-05-23. Review status: criteria provided, single submitter. Criteria: GeneDx Variant Classification (06012015). Collection method: clinical testing. Allele origin: germline. Affected: yes.
Comment: The G572D variant in the PHEX gene has been published previously in association with hypophosphatemic rickets, including a de novo occurrence (Holm et al., 2001; Cho et al., 2005). The variant was not observed in approximately 6,500 individuals of European and African American ancestry in the NHLBI Exome Sequencing Project, indicating it is not a common benign variant in these populations. G572D is a non-conservative amino acid substitution, which is likely to impact secondary protein structure as these residues differ in polarity, charge, size and/or other properties. This substitution occurs at a position that is conserved across species, and in silico analysis predicts this variant is probably damaging to the protein structure/function. Missense variants in nearby residues (R567P, A573D) have been reported in the Human Gene Mutation Database in association with hypophosphatemic rickets (Stenson et al., 2014), supporting the functional importance of this region of the protein. Therefore, this variant is likely pathogenic; however, the possibility that it is benign cannot be excluded.

Literature cited by the submitters: PubMed 11502829 (cited by Labcorp Genetics (formerly Invitae), Labcorp); PubMed 16055933 (cited by Labcorp Genetics (formerly Invitae), Labcorp).

NM_000444.6(PHEX):c.1715G>A (p.Gly572Asp)

Genes: PHEX (phosphate regulating endopeptidase X-linked; plus strand), PTCHD1-AS (PTCHD1 and PHEX antisense RNA; minus strand). Cytogenetic location: Xp22.11.
Variant type: single nucleotide variant.
Coding change: c.1715G>A on transcript NM_000444.6 (MANE Select); coding-DNA position 1715, G replaced by A.
Protein change: p.Gly572Asp; replaces glycine 572 with aspartic acid.
Molecular consequence: missense variant.
Genome position (GRCh38, 1-based): chrX:22,219,050, G>A. VCF-style: chrX-22219050-G-A. GRCh37 (hg19) VCF-style: chrX-22237167-G-A.
Other names: c.1715G>A, p.Gly572Asp (NM_001282754.2); short protein forms G572D.
Identifiers: ClinVar variation 372460 (VCV000372460.12), dbSNP rs1057517795, ClinGen allele CA16043311.